The following is an entry in ClinVar:

ClinVar aggregate classification (germline): Conflicting classifications of pathogenicity. Review status: criteria provided, conflicting classifications (1 of 4 stars). 3 submissions from 3 submitters: Pathogenic (2); Uncertain significance (1). Last evaluated 2022-05-04.

Conditions:
Inborn genetic diseases. Identifiers: MedGen C0950123, MeSH D030342.
Allan-Herndon-Dudley syndrome (AHDS). Also called: MENTAL RETARDATION AND MUSCULAR ATROPHY; T3 RESISTANCE; TRIIODOTHYRONINE RESISTANCE; Passos-Bueno syndrome; ALLAN-HERNDON SYNDROME. Identifiers: Orphanet 59, MedGen C0795889, MONDO:0010354, OMIM 300523.

Submissions (3):

Mendelics
Classification: Pathogenic for Allan-Herndon-Dudley syndrome. Last evaluated: 2022-05-04. Review status: criteria provided, single submitter. Criteria: Mendelics Assertion Criteria 2019. Collection method: clinical testing. Allele origin: germline.

Ambry Genetics
Classification: Pathogenic for Inborn genetic diseases. Last evaluated: 2017-02-02. Review status: criteria provided, single submitter. Criteria: Ambry Variant Classification Scheme 2023. Collection method: clinical testing. Allele origin: germline.
Comment: The p.G564R pathogenic mutation (also known as c.1690G>A), located in coding exon 6 of the SLC16A2 gene, results from a G to A substitution at nucleotide position 1690. The glycine at codon 564 is replaced by arginine, an amino acid with dissimilar properties. This variant has been detected in two unrelated individuals with Allan-Herndon-Dudley syndrome (Novara F et al. Hum. Mutat., 2016 Nov; Visser WE et al. Hum. Mutat., 2009 Jan;30:29-38). A different alteration at the same amino acid position, p.G564E, has been detected in an individual with Allan-Herndon-Dudley syndrome (Novara F et al. Hum. Mutat., 2016 Nov). Two separate studies have reported this variant to result in deficient protein function (Novara F et al. Hum. Mutat., 2016 Nov; Visser WE et al. Hum. Mutat., 2009 Jan;30:29-38). This amino acid position is highly conserved in available vertebrate species. In addition, this alteration is predicted to be deleterious by in silico analysis. Based on the supporting evidence, this alteration is interpreted as a disease-causing mutation.

Eurofins Ntd Llc (ga)
Classification: Uncertain significance. Last evaluated: 2015-03-31. Review status: criteria provided, single submitter. Criteria: EGL Classification Definitions 2015. Collection method: clinical testing. Allele origin: germline. Observed: 1 variant allele, 1 hemizygote.

Literature cited by the submitters: PubMed 18636565 (cited by Ambry Genetics); PubMed 27805744 (cited by Ambry Genetics).

NM_006517.5(SLC16A2):c.1468G>A (p.Gly490Arg)

Gene: SLC16A2 (solute carrier family 16 member 2; plus strand). Cytogenetic location: Xq13.2.
Variant type: single nucleotide variant.
Coding change: c.1468G>A on transcript NM_006517.5 (MANE Select); coding-DNA position 1468, G replaced by A.
Protein change: p.Gly490Arg; replaces glycine 490 with arginine.
Molecular consequence: missense variant.
Genome position (GRCh38, 1-based): chrX:74,531,401, G>A. VCF-style: chrX-74531401-G-A. GRCh37 (hg19) VCF-style: chrX-73751236-G-A.
Other names: short protein forms G490R.
Identifiers: ClinVar variation 198196 (VCV000198196.8), dbSNP rs794727799, ClinGen allele CA246723.